The following is an entry in ClinVar:

NM_006015.6(ARID1A):c.3164A>T (p.Tyr1055Phe)

Gene: ARID1A (AT-rich interaction domain 1A; plus strand). Cytogenetic location: 1p36.11.
Variant type: single nucleotide variant.
Coding change: c.3164A>T on transcript NM_006015.6 (MANE Select); coding-DNA position 3164, A replaced by T.
Protein change: p.Tyr1055Phe; replaces tyrosine 1055 with phenylalanine.
Molecular consequence: missense variant.
Genome position (GRCh38, 1-based): chr1:26,767,965, A>T. VCF-style: chr1-26767965-A-T. GRCh37 (hg19) VCF-style: chr1-27094456-A-T.
Other names: c.3164A>T, p.Tyr1055Phe (NM_139135.4); short protein forms Y1055F.
Identifiers: ClinVar variation 2130822 (VCV002130822.6), dbSNP rs1422061345, ClinGen allele CA339163755.

ClinVar aggregate classification (germline): Uncertain significance. Review status: criteria provided, multiple submitters, no conflicts (2 of 4 stars). 2 submissions from 2 submitters: Uncertain significance (2). Last evaluated 2025-05-30.

Allele frequency attached by ClinVar (database versions not stated): gnomAD exomes below 0.00001; TOPMed below 0.00001.
gnomAD v4.1: 1 of 1,613,926 alleles (0.000062%); highest among the groups gnomAD compares: Non-Finnish European, 0.000085%; no homozygotes.

Submissions (2):

GeneDx
Classification: Uncertain significance. Last evaluated: 2025-05-30. Review status: criteria provided, single submitter. Criteria: GeneDx Variant Classification Process June 2021. Collection method: clinical testing. Allele origin: germline.
Comment: Not observed at significant frequency in large population cohorts (gnomAD); In silico analysis supports that this missense variant has a deleterious effect on protein structure/function; Has not been previously published as pathogenic or benign to our knowledge

Labcorp Genetics (formerly Invitae), Labcorp
Classification: Uncertain significance. Last evaluated: 2022-05-17. Review status: criteria provided, single submitter. Criteria: Invitae Variant Classification Sherloc (09022015). Collection method: clinical testing. Allele origin: germline.
Comment: This variant is not present in population databases (gnomAD no frequency). In summary, the available evidence is currently insufficient to determine the role of this variant in disease. Therefore, it has been classified as a Variant of Uncertain Significance. Algorithms developed to predict the effect of missense changes on protein structure and function are either unavailable or do not agree on the potential impact of this missense change (SIFT: "Deleterious"; PolyPhen-2: "Not Available"; Align-GVGD: "Class C15"). This variant has not been reported in the literature in individuals affected with ARID1A-related conditions. This sequence change replaces tyrosine, which is neutral and polar, with phenylalanine, which is neutral and non-polar, at codon 1055 of the ARID1A protein (p.Tyr1055Phe).